The following is an entry in ClinVar:

NM_020631.6(PLEKHG5):c.2224A>G (p.Ser742Gly)

Gene: PLEKHG5 (pleckstrin homology and RhoGEF domain containing G5; minus strand). Cytogenetic location: 1p36.31.
Variant type: single nucleotide variant.
Coding change: c.2224A>G on transcript NM_020631.6 (MANE Select); coding-DNA position 2224, A replaced by G.
Protein change: p.Ser742Gly; replaces serine 742 with glycine.
Molecular consequence: missense variant.
Genome position (GRCh38, 1-based): chr1:6,469,067, T>C on the plus strand (A>G on the coding strand, the complement: PLEKHG5 is on the minus strand). VCF-style: chr1-6469067-T-C. GRCh37 (hg19) VCF-style: chr1-6529127-T-C.
Other names: c.2335A>G, p.Ser779Gly (NM_001042663.3, NM_001265592.2); c.2224A>G, p.Ser742Gly (NM_001042664.2, NM_001042665.2, NM_001265594.3 and 1 more transcripts); c.2431A>G, p.Ser811Gly (NM_001265593.2); short protein forms S779G, S811G, S742G.
Identifiers: ClinVar variation 4791413 (VCV004791413.1).
Genomic context (GRCh38, chr1:6,469,067, plus strand): 5'-GGTTTGACCTGCTGGGTGGTCATGAGCAGACGTACCAGTGCTGAGAGTCGGGGCTGCCGC[T>C]GCTTTTCCGCATGATGGTAGGGGAGCTGGCAGCTGAAGTGCCACTGTCCTCGCCTTCCTC-3'
Protein context (NP_065682.2, residues 732-752): ASSPTIMRKS[Ser742Gly]GSPDSQHCAS

ClinVar aggregate classification (germline): Uncertain significance (1 of 4 stars; one submission).

Conditions:
Neuronopathy, distal hereditary motor, autosomal recessive 4. Also called: Autosomal recessive lower motor neuron disease with childhood onset; NEUROPATHY, DISTAL HEREDITARY MOTOR, AUTOSOMAL RECESSIVE 4. Identifiers: Orphanet 206580, MedGen C1970211, MONDO:0012608, OMIM 611067.
Charcot-Marie-Tooth disease recessive intermediate C. Also called: CHARCOT-MARIE-TOOTH NEUROPATHY, RECESSIVE INTERMEDIATE C. Identifiers: Orphanet 369867, MedGen C3809309, MONDO:0014154, OMIM 615376.

Submission:

Labcorp Genetics (formerly Invitae), Labcorp
Classification: Uncertain significance for Neuronopathy, distal hereditary motor, autosomal recessive 4; Charcot-Marie-Tooth disease recessive intermediate C. Last evaluated: 2025-09-12. Review status: criteria provided, single submitter. Criteria: Invitae Variant Classification Sherloc (09022015). Collection method: clinical testing. Allele origin: germline.
Comment: This sequence change replaces serine, which is neutral and polar, with glycine, which is neutral and non-polar, at codon 742 of the PLEKHG5 protein (p.Ser742Gly). This variant is not present in population databases (gnomAD no frequency). This variant has not been reported in the literature in individuals affected with PLEKHG5-related conditions. An algorithm developed to predict the effect of missense changes on protein structure and function (PolyPhen-2) suggests that this variant is likely to be tolerated. In summary, the available evidence is currently insufficient to determine the role of this variant in disease. Therefore, it has been classified as a Variant of Uncertain Significance.